The following is an entry in ClinVar:

NM_022458.4(LMBR1):c.423+4844T>A

Genes: LMBR1 (limb development membrane protein 1; minus strand), ZRS (ZPA regulatory sequence; plus strand). Cytogenetic location: 7q36.3.
Variant type: single nucleotide variant.
Coding change: c.423+4844T>A on transcript NM_022458.4 (MANE Select); 4844 bases into the intron after coding-DNA position 423, T replaced by A.
Molecular consequence: intron variant.
Genome position (GRCh38, 1-based): chr7:156,791,545, A>T on the plus strand (T>A on the coding strand, the complement: LMBR1 is on the minus strand). VCF-style: chr7-156791545-A-T. GRCh37 (hg19) VCF-style: chr7-156584239-A-T.
Other names: c.360+4844T>A (NM_001363412.2); c.144+4844T>A (NM_001350954.2); c.423+4844T>A (NM_001363410.2, NM_001363409.2, NM_001350953.2); c.-112+4844T>A (NM_001350958.2, NM_001350956.2, NM_001350955.2 and 1 more transcripts); c.54+4844T>A (NM_001350957.2, NM_001363411.2).
Identifiers: ClinVar variation 2633601 (VCV002633601.1), dbSNP rs2536133454, ClinGen allele CA2579850309.
Genomic context (GRCh38, chr7:156,791,545, plus strand): 5'-CTTTTATGTAAGTTTGCCAAAAGGGACATAAACCAGGACAATTTCAAACTGTGACACAGG[A>T]TAGAAACATATTAAAAAAATCTTTGTTCCTCCTCTATTGTGCTGTCATGTTGCTCAGCTT-3'

ClinVar aggregate classification (germline): Uncertain significance (1 of 4 stars; one submission).

Conditions:
LMBR1-related disorder. Also called: LMBR1-related condition.

Submission:

PreventionGenetics, part of Exact Sciences
Classification: Uncertain significance for LMBR1-related condition. Last evaluated: 2023-04-11. Review status: criteria provided, single submitter. Criteria: ACMG Guidelines, 2015. Collection method: clinical testing. Allele origin: germline.
Comment: The LMBR1 c.423+4844T>A variant is predicted to interfere with splicing. However, this variant is also within the sonic hedgehog regulatory sequence (ZRS), an upstream regulatory region of SHH (NM_000193.4) which overlaps intron 5 of the LMBR1 (NM_022458.4) gene. In SHH, this variant is also designated c.-979423T>A. To our knowledge, this variant has not been reported in the literature or in a large population database, indicating this variant is rare. At this time, the clinical significance of this variant is uncertain due to the absence of conclusive functional and genetic evidence.